The following is an entry in ClinVar:

NM_004171.4(SLC1A2):c.34A>G (p.Lys12Glu)

Gene: SLC1A2 (solute carrier family 1 member 2; minus strand). Cytogenetic location: 11p13.
Variant type: single nucleotide variant.
Coding change: c.34A>G on transcript NM_004171.4 (MANE Select); coding-DNA position 34, A replaced by G.
Protein change: p.Lys12Glu; replaces lysine 12 with glutamic acid.
Molecular consequence: missense variant.
Genome position (GRCh38, 1-based): chr11:35,317,500, T>C on the plus strand (A>G on the coding strand, the complement: SLC1A2 is on the minus strand). VCF-style: chr11-35317500-T-C. GRCh37 (hg19) VCF-style: chr11-35339047-T-C.
Other names: c.7A>G, p.Lys3Glu (NM_001195728.3, NM_001252652.2); short protein forms K3E, K12E.
Identifiers: ClinVar variation 2737331 (VCV002737331.3), dbSNP rs775045899, ClinGen allele CA5947424.

ClinVar aggregate classification (germline): Uncertain significance (1 of 4 stars; one submission).

Allele frequency attached by ClinVar (database versions not stated): ExAC 0.00001; TOPMed 0.00002; gnomAD exomes below 0.00001.

Submission:

Labcorp Genetics (formerly Invitae), Labcorp
Classification: Uncertain significance. Last evaluated: 2025-04-21. Review status: criteria provided, single submitter. Criteria: Invitae Variant Classification Sherloc (09022015). Collection method: clinical testing. Allele origin: germline.
Comment: This sequence change replaces lysine, which is basic and polar, with glutamic acid, which is acidic and polar, at codon 12 of the SLC1A2 protein (p.Lys12Glu). This variant is present in population databases (rs775045899, gnomAD 0.003%). This variant has not been reported in the literature in individuals affected with SLC1A2-related conditions. ClinVar contains an entry for this variant (Variation ID: 2737331). An algorithm developed to predict the effect of missense changes on protein structure and function (PolyPhen-2) suggests that this variant is likely to be tolerated. In summary, the available evidence is currently insufficient to determine the role of this variant in disease. Therefore, it has been classified as a Variant of Uncertain Significance.